The following is an entry in ClinVar:

ClinVar aggregate classification (germline): Uncertain significance (0 of 4 stars; one submission).

Conditions:
BCHE-related disorder. Also called: BCHE-related condition.

Allele frequency attached by ClinVar (database versions not stated): TOPMed below 0.00001.

Submission:

PreventionGenetics, part of Exact Sciences
Classification: Uncertain significance for BCHE-related condition. Last evaluated: 2023-12-07. Review status: no assertion criteria provided. Collection method: clinical testing. Allele origin: germline.
Comment: The BCHE c.736A>C variant is predicted to result in the amino acid substitution p.Thr246Pro. To our knowledge, this variant has not been reported in the literature or in a large population database, indicating this variant is rare. At this time, the clinical significance of this variant is uncertain due to the absence of conclusive functional and genetic evidence.

NM_000055.4(BCHE):c.736A>C (p.Thr246Pro)

Gene: BCHE (butyrylcholinesterase; minus strand). Cytogenetic location: 3q26.1.
Variant type: single nucleotide variant.
Coding change: c.736A>C on transcript NM_000055.4 (MANE Select); coding-DNA position 736, A replaced by C.
Protein change: p.Thr246Pro; replaces threonine 246 with proline.
Molecular consequence: missense variant. On other transcripts: non-coding transcript variant (1).
Genome position (GRCh38, 1-based): chr3:165,830,298, T>G on the plus strand (A>C on the coding strand, the complement: BCHE is on the minus strand). VCF-style: chr3-165830298-T-G. GRCh37 (hg19) VCF-style: chr3-165548086-T-G.
Other names: short protein forms T246P.
Identifiers: ClinVar variation 3029270 (VCV003029270.2), dbSNP rs1714913880, ClinGen allele CA355112182.